The following is an entry in ClinVar:

NC_000008.10:g.(?_100160049)_(100168991_?)del

Gene: VPS13B (vacuolar protein sorting 13 homolog B; plus strand). Cytogenetic location: 8q22.2.
Variant type: Deletion.
Identifiers: ClinVar variation 2426376 (VCV002426376.4).

ClinVar aggregate classification (germline): Pathogenic (1 of 4 stars; one submission).

Conditions:
Cohen syndrome (COH1). Also called: Cutis verticis gyrata, retinitis pigmentosa, and sensorineural deafness; PEPPER SYNDROME. Identifiers: Orphanet 193, MedGen C0265223, MONDO:0008999, OMIM 216550.

Submission:

Labcorp Genetics (formerly Invitae), Labcorp
Classification: Pathogenic for Cohen syndrome. Last evaluated: 2024-01-05. Review status: criteria provided, single submitter. Criteria: Invitae Variant Classification Sherloc (09022015). Collection method: clinical testing. Allele origin: germline.
Comment: This variant is a gross deletion of the genomic region encompassing exon(s) 14-15 of the VPS13B gene. This deletion is out-of-frame, and is expected to create a premature termination codon and result in an absent or disrupted protein product. Loss-of-function variants in VPS13B are known to be pathogenic (PMID: 15141358, 16648375, 20461111). This variant has not been reported in the literature in individuals affected with VPS13B-related conditions. For these reasons, this variant has been classified as Pathogenic.

Literature cited by the submitters: PubMed 15141358; PubMed 16648375; PubMed 20461111.